The following is an entry in ClinVar:

NM_000061.3(BTK):c.1751-1G>A

Gene: BTK (Bruton tyrosine kinase; minus strand). Cytogenetic location: Xq22.1.
Variant type: single nucleotide variant.
Coding change: c.1751-1G>A on transcript NM_000061.3 (MANE Select); the canonical splice acceptor site of the intron before coding-DNA position 1751, G replaced by A.
Molecular consequence: splice acceptor variant.
Genome position (GRCh38, 1-based): chrX:101,353,352, C>T on the plus strand (G>A on the coding strand, the complement: BTK is on the minus strand). VCF-style: chrX-101353352-C-T. GRCh37 (hg19) VCF-style: chrX-100608340-C-T.
Other names: c.1853-1G>A (NM_001287344.2); c.1223-1G>A (NM_001287345.2).
Identifiers: ClinVar variation 2138638 (VCV002138638.4), dbSNP rs1603001846, ClinGen allele CA413919658.

ClinVar aggregate classification (germline): Pathogenic (1 of 4 stars; one submission).

Conditions:
X-linked agammaglobulinemia with growth hormone deficiency (IGHD3). Also called: FLEISHER SYNDROME; HYPOGAMMAGLOBULINEMIA AND ISOLATED GROWTH HORMONE DEFICIENCY, X-LINKED; IGHD III; AGAMMAGLOBULINEMIA AND ISOLATED GROWTH HORMONE DEFICIENCY, X-LINKED; Isolated growth hormone deficiency type 3; Growth hormone deficiency with hypogammaglobulinemia. Identifiers: Orphanet 231692, Orphanet 631, MedGen C0472813, MONDO:0010615, OMIM 307200.

Submission:

Labcorp Genetics (formerly Invitae), Labcorp
Classification: Pathogenic for X-linked agammaglobulinemia with growth hormone deficiency. Last evaluated: 2022-09-19. Review status: criteria provided, single submitter. Criteria: Invitae Variant Classification Sherloc (09022015). Collection method: clinical testing. Allele origin: germline.
Comment: This variant is not present in population databases (gnomAD no frequency). This sequence change affects an acceptor splice site in intron 17 of the BTK gene. It is expected to disrupt RNA splicing. Variants that disrupt the donor or acceptor splice site typically lead to a loss of protein function (PMID: 16199547), and loss-of-function variants in BTK are known to be pathogenic (PMID: 15661032, 16862044, 19419768). For these reasons, this variant has been classified as Pathogenic. Studies have shown that disruption of this splice site is associated with altered splicing resulting in multiple RNA products (PMID: 9106525). This variant is also known as Intron 17(-1) g>a. Disruption of this splice site has been observed in individuals with agammaglobulinemia (PMID: 9106525, 16712653; Invitae).

Literature cited by the submitters: PubMed 16199547; PubMed 15661032; PubMed 16862044; PubMed 19419768; PubMed 9106525; PubMed 16712653.